The following is an entry in ClinVar:

NM_004260.4(RECQL4):c.2777A>G (p.Tyr926Cys)

Gene: RECQL4 (RecQ like helicase 4; minus strand). Cytogenetic location: 8q24.3.
Variant type: single nucleotide variant.
Coding change: c.2777A>G on transcript NM_004260.4 (MANE Select); coding-DNA position 2777, A replaced by G.
Protein change: p.Tyr926Cys; replaces tyrosine 926 with cysteine.
Molecular consequence: missense variant.
Genome position (GRCh38, 1-based): chr8:144,512,750, T>C on the plus strand (A>G on the coding strand, the complement: RECQL4 is on the minus strand). VCF-style: chr8-144512750-T-C. GRCh37 (hg19) VCF-style: chr8-145738133-T-C.
Other names: short protein forms Y926C.
Identifiers: ClinVar variation 1354223 (VCV001354223.6), dbSNP rs1280395082, ClinGen allele CA372674509.

ClinVar aggregate classification (germline): Uncertain significance (1 of 4 stars; one submission).

Conditions:
Baller-Gerold syndrome (BGS). Also called: CRANIOSYNOSTOSIS WITH RADIAL DEFECTS. Identifiers: Orphanet 1225, MedGen C0265308, MONDO:0009039, OMIM 218600.

Submission:

Labcorp Genetics (formerly Invitae), Labcorp
Classification: Uncertain significance for Baller-Gerold syndrome. Last evaluated: 2021-05-17. Review status: criteria provided, single submitter. Criteria: Invitae Variant Classification Sherloc (09022015). Collection method: clinical testing. Allele origin: germline.
Comment: In summary, the available evidence is currently insufficient to determine the role of this variant in disease. Therefore, it has been classified as a Variant of Uncertain Significance. Experimental studies and prediction algorithms are not available or were not evaluated, and the functional significance of this variant is currently unknown. This variant has not been reported in the literature in individuals with RECQL4-related conditions. This variant is not present in population databases (ExAC no frequency). This sequence change replaces tyrosine with cysteine at codon 926 of the RECQL4 protein (p.Tyr926Cys). The tyrosine residue is highly conserved and there is a large physicochemical difference between tyrosine and cysteine.